The following is an entry in ClinVar:

ClinVar aggregate classification (germline): Likely pathogenic (1 of 4 stars; one submission).

Conditions:
Abetalipoproteinaemia (ABL). Also called: Congenital betalipoprotein deficiency syndrome; MTP DEFICIENCY; Abetalipoproteinemia; Abetalipoproteinemia neuropathy; Apolipoprotein B deficiency. Identifiers: Orphanet 14, MedGen C0000744, MONDO:0008692, OMIM 200100, HP:0008181.

Submission:

Natera, Inc.
Classification: Likely pathogenic for Abetalipoproteinemia. Last evaluated: 2025-05-29. Review status: criteria provided, single submitter. Criteria: Natera Variant Classification Schema (03/2026). Collection method: clinical testing. Allele origin: germline.
Comment: The c.910-2A>C variant in MTTP is a canonical splice acceptor site variant predicted to affect pre-mRNA splicing, which may result in an abnormal transcript and altered protein product. This variant is expected to result in nonsense mediated decay, truncation, or a dysfunctional protein product. This variant is rare in the general population with a frequency below the threshold expected for the associated phenotype(s). Given the available evidence, this variant is classified as Likely Pathogenic.

NM_001386140.1(MTTP):c.910-2A>C

Gene: MTTP (microsomal triglyceride transfer protein; plus strand). Cytogenetic location: 4q23.
Variant type: single nucleotide variant.
Coding change: c.910-2A>C on transcript NM_001386140.1 (MANE Select); the canonical splice acceptor site of the intron before coding-DNA position 910, A replaced by C.
Molecular consequence: splice acceptor variant.
Genome position (GRCh38, 1-based): chr4:99,597,065, A>C. VCF-style: chr4-99597065-A-C. GRCh37 (hg19) VCF-style: chr4-100518222-A-C.
Other names: c.910-2A>C (NM_000253.4); c.661-2A>C (NM_001300785.2).
Identifiers: ClinVar variation 4058009 (VCV004058009.2).
Genomic context (GRCh38, chr4:99,597,065, plus strand): 5'-TTTGTAAATGTGGATGTTCACAGTTATGAGTGGGGTATGAGCCTGCAGTGTATGTTTTGC[A>C]GCTCTCGGAGCTCTGGCGGTCCACCAGGAAATACCTGCAGCCTGACAACCTTTCCAAGGC-3'